The following is an entry in ClinVar:

ClinVar aggregate classification (germline): Uncertain significance (1 of 4 stars; one submission).

gnomAD v4.1: 7 of 1,611,386 alleles (0.00043%); highest among the groups gnomAD compares: Non-Finnish European, 0.00034%; no homozygotes.

Submission:

Labcorp Genetics (formerly Invitae), Labcorp
Classification: Uncertain significance. Last evaluated: 2025-12-19. Review status: criteria provided, single submitter. Criteria: Invitae Variant Classification Sherloc (09022015). Collection method: clinical testing. Allele origin: germline.
Comment: This sequence change falls in intron 11 of the C3 gene. It does not directly change the encoded amino acid sequence of the C3 protein. It affects a nucleotide within the consensus splice site. This variant is not present in population databases (gnomAD no frequency). This variant has not been reported in the literature in individuals affected with C3-related conditions. Variants that disrupt the consensus splice site are a relatively common cause of aberrant splicing (PMID: 17576681, 9536098). Algorithms developed to predict the effect of sequence changes on RNA splicing suggest that this variant is not likely to affect RNA splicing. In summary, the available evidence is currently insufficient to determine the role of this variant in disease. Therefore, it has been classified as a Variant of Uncertain Significance.

Literature cited by the submitters: PubMed 17576681; PubMed 9536098.

NM_000064.4(C3):c.1270-3C>T

Gene: C3 (complement C3; minus strand). Cytogenetic location: 19p13.3.
Variant type: single nucleotide variant.
Coding change: c.1270-3C>T on transcript NM_000064.4 (MANE Select); 3 bases into the intron before coding-DNA position 1270, C replaced by T.
Molecular consequence: intron variant.
Genome position (GRCh38, 1-based): chr19:6,711,199, G>A on the plus strand (C>T on the coding strand, the complement: C3 is on the minus strand). VCF-style: chr19-6711199-G-A. GRCh37 (hg19) VCF-style: chr19-6711210-G-A.
Identifiers: ClinVar variation 4775186 (VCV004775186.1).